The following is an entry in ClinVar:

ClinVar aggregate classification (germline): Pathogenic (1 of 4 stars; one submission).

Submission:

Labcorp Genetics (formerly Invitae), Labcorp
Classification: Pathogenic. Last evaluated: 2024-06-22. Review status: criteria provided, single submitter. Criteria: Invitae Variant Classification Sherloc (09022015). Collection method: clinical testing. Allele origin: germline.
Comment: This sequence change creates a premature translational stop signal (p.Asn2854Ilefs*6) in the EYS gene. While this is not anticipated to result in nonsense mediated decay, it is expected to disrupt the last 291 amino acid(s) of the EYS protein. This variant is not present in population databases (gnomAD no frequency). This variant has not been reported in the literature in individuals affected with EYS-related conditions. ClinVar contains an entry for this variant (Variation ID: 863092). This variant disrupts a region of the EYS protein in which other variant(s) (p.Tyr3135*) have been determined to be pathogenic (PMID: 18976725, 30337596). This suggests that this is a clinically significant region of the protein, and that variants that disrupt it are likely to be disease-causing. For these reasons, this variant has been classified as Pathogenic.

Literature cited by the submitters: PubMed 18976725; PubMed 30337596.

NM_001142800.2(EYS):c.8561_8564del (p.Asn2854fs)

Genes: EYS (EGF-like photoreceptor maintenance factor; minus strand), PHF3 (PHD finger protein 3; plus strand). Cytogenetic location: 6q12.
Variant type: Microsatellite.
Coding change: c.8561_8564del on transcript NM_001142800.2 (MANE Select); coding-DNA positions 8561 to 8564, 4 bases deleted (ATAA; older notation c.8561_8564delATAA).
Protein change: p.Asn2854fs; shifts the reading frame from asparagine 2854.
Molecular consequence: frameshift variant. On other transcripts: 3 prime UTR variant (5).
Genome position (GRCh38, 1-based): chr6:63,721,467-63,721,470, TTAT deleted on the plus strand (ATAA on the coding strand, the reverse complement: EYS is on the minus strand); deleting any 4 consecutive bases within chr6:63,721,467-63,721,474 gives the same sequence; the c. name uses the placement nearest the transcript's 3' end. VCF-style (leftmost placement, unchanged base first): chr6-63721466-ATTAT-A. GRCh37 (hg19) VCF-style: chr6-64431362-ATTAT-A.
Other names: c.*7759TTAT[1] (NM_001290259.2, NM_001370348.2, NM_001370349.2 and 2 more transcripts); c.8624_8627del, p.Asn2875fs (NM_001292009.2); short protein forms N2854fs, N2875fs.
Identifiers: ClinVar variation 863092 (VCV000863092.11), dbSNP rs1768387288, ClinGen allele CA916082855.